The following is an entry in ClinVar:

NM_032119.4(ADGRV1):c.8728G>C (p.Glu2910Gln)

Gene: ADGRV1 (adhesion G protein-coupled receptor V1; plus strand). Cytogenetic location: 5q14.3.
Variant type: single nucleotide variant.
Coding change: c.8728G>C on transcript NM_032119.4 (MANE Select); coding-DNA position 8728, G replaced by C.
Protein change: p.Glu2910Gln; replaces glutamic acid 2910 with glutamine.
Molecular consequence: missense variant. On other transcripts: non-coding transcript variant (1).
Genome position (GRCh38, 1-based): chr5:90,706,392, G>C. VCF-style: chr5-90706392-G-C. GRCh37 (hg19) VCF-style: chr5-90002209-G-C.
Other names: short protein forms E2910Q.
Identifiers: ClinVar variation 1911963 (VCV001911963.5), dbSNP rs1474414053, ClinGen allele CA360392508.
Genomic context (GRCh38, chr5:90,706,392, plus strand): 5'-ATTGGCTTTCTGATTTTAGAAGAAGGGGAAACAGCAGCAGCCATCAACATTACCATTCTT[G>C]AGGTAAAACTCTTTTTTTTTTTTAATCTTAGGGGGAGATAGTTTAATAAGTTTTTTTTAT-3'
Protein context (NP_115495.3, residues 2900-2920): TAAAINITIL[Glu2910Gln]DDVPELEEYF

ClinVar aggregate classification (germline): Uncertain significance (1 of 4 stars; one submission).

Allele frequency attached by ClinVar (database versions not stated): gnomAD exomes below 0.00001; gnomAD 0.00002.
gnomAD v4.1: 8 of 1,543,148 alleles (0.00052%); highest among the groups gnomAD compares: Non-Finnish European, 0.00052%; no homozygotes.

Submission:

Labcorp Genetics (formerly Invitae), Labcorp
Classification: Uncertain significance. Last evaluated: 2022-10-05. Review status: criteria provided, single submitter. Criteria: Invitae Variant Classification Sherloc (09022015). Collection method: clinical testing. Allele origin: germline.
Comment: This sequence change replaces glutamic acid, which is acidic and polar, with glutamine, which is neutral and polar, at codon 2910 of the ADGRV1 protein (p.Glu2910Gln). The frequency data for this variant in the population databases is considered unreliable, as metrics indicate poor data quality at this position in the gnomAD database. This variant has not been reported in the literature in individuals affected with ADGRV1-related conditions. Algorithms developed to predict the effect of missense changes on protein structure and function are either unavailable or do not agree on the potential impact of this missense change (SIFT: "Deleterious"; PolyPhen-2: "Probably Damaging"; Align-GVGD: "Class C0"). In summary, the available evidence is currently insufficient to determine the role of this variant in disease. Therefore, it has been classified as a Variant of Uncertain Significance.